The following is an entry in ClinVar:

NM_001454.4(FOXJ1):c.821G>A (p.Arg274His)

Gene: FOXJ1 (forkhead box J1; minus strand). Cytogenetic location: 17q25.1.
Variant type: single nucleotide variant.
Coding change: c.821G>A on transcript NM_001454.4 (MANE Select); coding-DNA position 821, G replaced by A.
Protein change: p.Arg274His; replaces arginine 274 with histidine.
Molecular consequence: missense variant.
Genome position (GRCh38, 1-based): chr17:76,137,798, C>T on the plus strand (G>A on the coding strand, the complement: FOXJ1 is on the minus strand). VCF-style: chr17-76137798-C-T. GRCh37 (hg19) VCF-style: chr17-74133879-C-T.
Other names: short protein forms R274H.
Identifiers: ClinVar variation 3353456 (VCV003353456.1).

ClinVar aggregate classification (germline): Uncertain significance (0 of 4 stars; one submission).

Conditions:
FOXJ1-related disorder. Also called: FOXJ1-related condition.

Submission:

PreventionGenetics, part of Exact Sciences
Classification: Uncertain significance for FOXJ1-related condition. Last evaluated: 2024-03-26. Review status: no assertion criteria provided. Collection method: clinical testing. Allele origin: germline.
Comment: The FOXJ1 c.821G>A variant is predicted to result in the amino acid substitution p.Arg274His. To our knowledge, this variant has not been reported in the literature. This variant is reported in 0.0034% of alleles in individuals of South Asian descent in gnomAD. At this time, the clinical significance of this variant is uncertain due to the absence of conclusive functional and genetic evidence.